The following is an entry in ClinVar:

NM_001040108.2(MLH3):c.1335A>G (p.Ser445=)

Gene: MLH3 (mutL homolog 3; minus strand). Cytogenetic location: 14q24.3.
Variant type: single nucleotide variant.
Coding change: c.1335A>G on transcript NM_001040108.2 (MANE Select); coding-DNA position 1335, A replaced by G.
Protein change: p.Ser445=; no amino-acid change (serine 445 retained).
Molecular consequence: synonymous variant.
Genome position (GRCh38, 1-based): chr14:75,048,321, T>C on the plus strand (A>G on the coding strand, the complement: MLH3 is on the minus strand). VCF-style: chr14-75048321-T-C. GRCh37 (hg19) VCF-style: chr14-75515024-T-C.
Other names: c.1335A>G, p.Ser445= (NM_014381.3).
Identifiers: ClinVar variation 1770220 (VCV001770220.3), dbSNP rs2503298232, ClinGen allele CA487274052.
Genomic context (GRCh38, chr14:75,048,321, plus strand): 5'-GCAAGAGCTGTCTTTGTTTTGTAAAGATGGCTCTGTCATTTTGCTATGGCCTGGACCACC[T>C]GATTCATAAATGTACAAAAATGCATCATTTGTATTTTTTCTGGTAGCTTCTGAATCCCTA-3'
Protein context (NP_001035197.1, residues 435-455): TNDAFLYIYE[Ser445=]GGPGHSKMTE

ClinVar aggregate classification (germline): Benign/Likely benign. Review status: criteria provided, multiple submitters, no conflicts (2 of 4 stars). 2 submissions from 2 submitters: Benign (1); Likely benign (1). Last evaluated 2026-04-30.

Conditions:
Colorectal cancer, hereditary nonpolyposis, type 7. Identifiers: Orphanet 144, MedGen C1858380, MONDO:0013725, OMIM 614385.

Allele frequency attached by ClinVar (database versions not stated): gnomAD exomes below 0.00001.
gnomAD v4.1: 2 of 1,614,118 alleles (0.00012%); highest among the groups gnomAD compares: Admixed American, 0.0033%; no homozygotes.

Submissions (2):

Myriad Genetics, Inc.
Classification: Benign for Colorectal cancer, hereditary nonpolyposis, type 7. Last evaluated: 2026-04-30. Review status: criteria provided, single submitter. Criteria: Myriad Autosomal Dominant, Autosomal Recessive and X-Linked Classification Criteria (2023). Collection method: clinical testing. Allele origin: unknown.
Comment: This variant is considered benign. This variant is a silent/synonymous amino acid change and it is not expected to impact splicing.

Ambry Genetics
Classification: Likely benign. Last evaluated: 2021-04-27. Review status: criteria provided, single submitter. Criteria: Ambry Variant Classification Scheme 2023. Collection method: clinical testing. Allele origin: germline.